The following is an entry in ClinVar:

ClinVar aggregate classification (germline): Uncertain significance (1 of 4 stars; one submission).

Allele frequency attached by ClinVar (database versions not stated): gnomAD exomes below 0.00001; gnomAD 0.00001; TOPMed 0.00001.
gnomAD v4.1: 2 of 1,611,168 alleles (0.00012%); highest among the groups gnomAD compares: Non-Finnish European, 0.00017%; no homozygotes.

Submission:

GeneDx
Classification: Uncertain significance. Last evaluated: 2020-11-02. Review status: criteria provided, single submitter. Criteria: GeneDx Variant Classification Process June 2021. Collection method: clinical testing. Allele origin: germline. Affected: yes.
Comment: Not observed in large population cohorts (Lek et al., 2016); In silico analysis supports that this missense variant does not alter protein structure/function; Has not been previously published as pathogenic or benign to our knowledge

NM_001348768.2(HECW2):c.3137T>C (p.Val1046Ala)

Gene: HECW2 (HECT, C2 and WW domain containing E3 ubiquitin protein ligase 2; minus strand). Cytogenetic location: 2q32.3.
Variant type: single nucleotide variant.
Coding change: c.3137T>C on transcript NM_001348768.2 (MANE Select); coding-DNA position 3137, T replaced by C.
Protein change: p.Val1046Ala; replaces valine 1046 with alanine.
Molecular consequence: missense variant.
Genome position (GRCh38, 1-based): chr2:196,274,122, A>G on the plus strand (T>C on the coding strand, the complement: HECW2 is on the minus strand). VCF-style: chr2-196274122-A-G. GRCh37 (hg19) VCF-style: chr2-197138846-A-G.
Other names: c.2069T>C, p.Val690Ala (NM_001304840.3); c.3137T>C, p.Val1046Ala (NM_020760.4); short protein forms V1046A, V690A.
Identifiers: ClinVar variation 1302356 (VCV001302356.2), dbSNP rs1689850895, ClinGen allele CA349952561.